The following is an entry in ClinVar:

ClinVar aggregate classification (germline): Uncertain significance. Review status: criteria provided, multiple submitters, no conflicts (2 of 4 stars). 2 submissions from 2 submitters: Uncertain significance (2). Last evaluated 2025-06-24.

Conditions:
Cardiovascular phenotype. Identifiers: MedGen CN230736.

Allele frequency attached by ClinVar (database versions not stated): TOPMed below 0.00001.

Submissions (2):

Ambry Genetics
Classification: Uncertain significance for Cardiovascular phenotype. Last evaluated: 2025-06-24. Review status: criteria provided, single submitter. Criteria: Ambry Variant Classification Scheme 2023. Collection method: clinical testing. Allele origin: germline.
Comment: The c.4699+5G>C intronic variant results from a G to C substitution 5 nucleotides after coding exon 8 in the ALPK3 gene. This nucleotide position is highly conserved in available vertebrate species. In silico splice site analysis predicts that this alteration will weaken the native splice donor site. Based on the available evidence, the clinical significance of this alteration remains unclear.

Labcorp Genetics (formerly Invitae), Labcorp
Classification: Uncertain significance. Last evaluated: 2023-08-04. Review status: criteria provided, single submitter. Criteria: Invitae Variant Classification Sherloc (09022015). Collection method: clinical testing. Allele origin: germline.
Comment: This variant has not been reported in the literature in individuals affected with ALPK3-related conditions. ClinVar contains an entry for this variant (Variation ID: 2105103). Variants that disrupt the consensus splice site are a relatively common cause of aberrant splicing (PMID: 17576681, 9536098). Algorithms developed to predict the effect of sequence changes on RNA splicing suggest that this variant may disrupt the consensus splice site. In summary, the available evidence is currently insufficient to determine the role of this variant in disease. Therefore, it has been classified as a Variant of Uncertain Significance. This sequence change falls in intron 8 of the ALPK3 gene. It does not directly change the encoded amino acid sequence of the ALPK3 protein. It affects a nucleotide within the consensus splice site. This variant is present in population databases (no rsID available, gnomAD 0.006%).

Literature cited by the submitters: PubMed 17576681 (cited by Labcorp Genetics (formerly Invitae), Labcorp); PubMed 9536098 (cited by Labcorp Genetics (formerly Invitae), Labcorp).

NM_020778.5(ALPK3):c.4093+5G>C

Gene: ALPK3 (alpha kinase 3; plus strand). Cytogenetic location: 15q25.3.
Variant type: single nucleotide variant.
Coding change: c.4093+5G>C on transcript NM_020778.5 (MANE Select); 5 bases into the intron after coding-DNA position 4093, G replaced by C.
Molecular consequence: intron variant.
Genome position (GRCh38, 1-based): chr15:84,859,908, G>C. VCF-style: chr15-84859908-G-C. GRCh37 (hg19) VCF-style: chr15-85403139-G-C.
Other names: c.4699+5G>C (NM_020778.4).
Identifiers: ClinVar variation 2105103 (VCV002105103.5), dbSNP rs1405430982, ClinGen allele CA619855343.
Genomic context (GRCh38, chr15:84,859,908, plus strand): 5'-CACCATCCACAATGAGCACGGCTCGGCCTCCACCGACTTCTGCCTCAGCCCTGAGGGTGA[G>C]TGTGCCCCGCGGCCCGGGGTCTCAGCCTGGCCTGGCTCCTGGTGGGTGGGCAGCAGTCAT-3'